The following is an entry in ClinVar:

NM_001145809.2(MYH14):c.3548A>G (p.Glu1183Gly)

Gene: MYH14 (myosin heavy chain 14; plus strand). Cytogenetic location: 19q13.33.
Variant type: single nucleotide variant.
Coding change: c.3548A>G on transcript NM_001145809.2 (MANE Select); coding-DNA position 3548, A replaced by G.
Protein change: p.Glu1183Gly; replaces glutamic acid 1183 with glycine.
Molecular consequence: missense variant.
Genome position (GRCh38, 1-based): chr19:50,276,071, A>G. VCF-style: chr19-50276071-A-G. GRCh37 (hg19) VCF-style: chr19-50779328-A-G.
Other names: c.3449A>G, p.Glu1150Gly (NM_001077186.2); c.3425A>G, p.Glu1142Gly (NM_024729.4); short protein forms E1150G, E1142G, E1183G.
Identifiers: ClinVar variation 2011064 (VCV002011064.4), dbSNP rs754288126, ClinGen allele CA9593249.
Genomic context (GRCh38, chr19:50,276,071, plus strand): 5'-CCCGGGCCCAGCTGCTGAAATCCCTGCGGGAGGCTCAAGCAGCCCTGGCCGAGGCCCAGG[A>G]GGACCTGGAGTCTGAGCGTGTGGCCAGGACCAAGGCGGAGAAGCAGCGCCGGGACCTGGG-3'
Protein context (NP_001139281.1, residues 1173-1193): EAQAALAEAQ[Glu1183Gly]DLESERVART

ClinVar aggregate classification (germline): Uncertain significance (1 of 4 stars; one submission).

Allele frequency attached by ClinVar (database versions not stated): ExAC 0.00001.

Submission:

Labcorp Genetics (formerly Invitae), Labcorp
Classification: Uncertain significance. Last evaluated: 2022-07-03. Review status: criteria provided, single submitter. Criteria: Invitae Variant Classification Sherloc (09022015). Collection method: clinical testing. Allele origin: germline.
Comment: This variant is present in population databases (rs754288126, gnomAD 0.0009%). In summary, the available evidence is currently insufficient to determine the role of this variant in disease. Therefore, it has been classified as a Variant of Uncertain Significance. Algorithms developed to predict the effect of missense changes on protein structure and function (SIFT, PolyPhen-2, Align-GVGD) all suggest that this variant is likely to be disruptive. This variant has not been reported in the literature in individuals affected with MYH14-related conditions. This sequence change replaces glutamic acid, which is acidic and polar, with glycine, which is neutral and non-polar, at codon 1142 of the MYH14 protein (p.Glu1142Gly).